The following is an entry in ClinVar:

ClinVar aggregate classification (germline): Pathogenic (1 of 4 stars; one submission).

Conditions:
Combined immunodeficiency due to LRBA deficiency. Also called: Common variable immunodeficiency 8, with autoimmunity. Identifiers: Orphanet 445018, MedGen C3553512, MONDO:0013863, OMIM 614700.

Submission:

Labcorp Genetics (formerly Invitae), Labcorp
Classification: Pathogenic for Combined immunodeficiency due to LRBA deficiency. Last evaluated: 2022-07-19. Review status: criteria provided, single submitter. Criteria: Invitae Variant Classification Sherloc (09022015). Collection method: clinical testing. Allele origin: germline.
Comment: ClinVar contains an entry for this variant (Variation ID: 1392922). This variant has not been reported in the literature in individuals affected with LRBA-related conditions. Information on the frequency of this variant in the gnomAD database is not available, as this variant may be reported differently in the database. This sequence change creates a premature translational stop signal (p.Ser2101*) in the LRBA gene. It is expected to result in an absent or disrupted protein product. Loss-of-function variants in LRBA are known to be pathogenic (PMID: 26206937, 26768763). For these reasons, this variant has been classified as Pathogenic.

Literature cited by the submitters: PubMed 26206937; PubMed 26768763.

NM_001364905.1(LRBA):c.6269_6270delinsAA (p.Ser2090Ter)

Gene: LRBA (LPS responsive beige-like anchor protein; minus strand). Cytogenetic location: 4q31.3.
Variant type: Indel.
Coding change: c.6269_6270delinsAA on transcript NM_001364905.1 (MANE Select); coding-DNA positions 6269 to 6270, CC replaced by AA.
Protein change: p.Ser2090Ter; replaces serine 2090 with a stop codon.
Molecular consequence: nonsense.
Genome position (GRCh38, 1-based): chr4:150,588,108-150,588,109, GG replaced by TT on the plus strand (CC replaced by AA on the coding strand, the reverse complement: LRBA is on the minus strand). VCF-style: chr4-150588108-GG-TT. GRCh37 (hg19) VCF-style: chr4-151509260-GG-TT.
Other names: c.6269_6270delCCinsAA, p.Ser2090Ter (NM_001199282.3); c.6269_6270delinsAA, p.Ser2090Ter (NM_001367550.1); c.6302_6303delCCinsAA, p.Ser2101Ter (NM_006726.5); short protein forms S2101*, S2090*.
Identifiers: ClinVar variation 1392922 (VCV001392922.6), dbSNP rs2126438478, ClinGen allele CA2573138073.